The following is an entry in ClinVar:

ClinVar aggregate classification (germline): Uncertain significance (1 of 4 stars; one submission).

Submission:

Labcorp Genetics (formerly Invitae), Labcorp
Classification: Uncertain significance. Last evaluated: 2023-04-29. Review status: criteria provided, single submitter. Criteria: Invitae Variant Classification Sherloc (09022015). Collection method: clinical testing. Allele origin: germline.
Comment: In summary, the available evidence is currently insufficient to determine the role of this variant in disease. Therefore, it has been classified as a Variant of Uncertain Significance. Advanced modeling of protein sequence and biophysical properties (such as structural, functional, and spatial information, amino acid conservation, physicochemical variation, residue mobility, and thermodynamic stability) performed at Invitae indicates that this missense variant is not expected to disrupt SRCAP protein function. This variant has not been reported in the literature in individuals affected with SRCAP-related conditions. This variant is not present in population databases (gnomAD no frequency). This sequence change replaces proline, which is neutral and non-polar, with alanine, which is neutral and non-polar, at codon 38 of the SRCAP protein (p.Pro38Ala).

NM_006662.3(SRCAP):c.112C>G (p.Pro38Ala)

Gene: SRCAP (Snf2 related CREBBP activator protein; plus strand). Cytogenetic location: 16p11.2.
Variant type: single nucleotide variant.
Coding change: c.112C>G on transcript NM_006662.3 (MANE Select); coding-DNA position 112, C replaced by G.
Protein change: p.Pro38Ala; replaces proline 38 with alanine.
Molecular consequence: missense variant.
Genome position (GRCh38, 1-based): chr16:30,704,121, C>G. VCF-style: chr16-30704121-C-G. GRCh37 (hg19) VCF-style: chr16-30715442-C-G.
Other names: short protein forms P38A.
Identifiers: ClinVar variation 2999079 (VCV002999079.3), dbSNP rs2506598610, ClinGen allele CA395596475.